The following is an entry in ClinVar:

ClinVar aggregate classification (germline): Uncertain significance. Review status: criteria provided, multiple submitters, no conflicts (2 of 4 stars). 2 submissions from 2 submitters: Uncertain significance (2). Last evaluated 2024-05-26.

Conditions:
Aortic aneurysm, familial thoracic 6 (AAT6). Also called: FAMILIAL THORACIC AORTIC ANEURYSM WITH LIVEDO RETICULARIS AND IRIS FLOCCULI. Identifiers: MedGen C2673186, MONDO:0012730, OMIM 611788.

Allele frequency attached by ClinVar (database versions not stated): gnomAD exomes below 0.00001.
gnomAD v4.1: 4 of 1,613,834 alleles (0.00025%); highest among the groups gnomAD compares: Non-Finnish European, 0.00034%; no homozygotes.

Submissions (2):

Labcorp Genetics (formerly Invitae), Labcorp
Classification: Uncertain significance for Aortic aneurysm, familial thoracic 6. Last evaluated: 2024-05-26. Review status: criteria provided, single submitter. Criteria: Invitae Variant Classification Sherloc (09022015). Collection method: clinical testing. Allele origin: germline.
Comment: This sequence change replaces serine, which is neutral and polar, with asparagine, which is neutral and polar, at codon 7 of the ACTA2 protein (p.Ser7Asn). This variant is not present in population databases (gnomAD no frequency). This variant has not been reported in the literature in individuals affected with ACTA2-related conditions. Advanced modeling of protein sequence and biophysical properties (such as structural, functional, and spatial information, amino acid conservation, physicochemical variation, residue mobility, and thermodynamic stability) performed at Invitae indicates that this missense variant is not expected to disrupt ACTA2 protein function with a negative predictive value of 95%. In summary, the available evidence is currently insufficient to determine the role of this variant in disease. Therefore, it has been classified as a Variant of Uncertain Significance.

Blueprint Genetics
Classification: Uncertain significance. Last evaluated: 2019-09-10. Review status: criteria provided, single submitter. Criteria: ACMG Guidelines, 2015. Collection method: clinical testing. Allele origin: germline.

NM_001613.4(ACTA2):c.20G>A (p.Ser7Asn)

Gene: ACTA2 (actin alpha 2, smooth muscle; minus strand). Cytogenetic location: 10q23.31.
Variant type: single nucleotide variant.
Coding change: c.20G>A on transcript NM_001613.4 (MANE Select); coding-DNA position 20, G replaced by A.
Protein change: p.Ser7Asn; replaces serine 7 with asparagine.
Molecular consequence: missense variant.
Genome position (GRCh38, 1-based): chr10:88,948,911, C>T on the plus strand (G>A on the coding strand, the complement: ACTA2 is on the minus strand). VCF-style: chr10-88948911-C-T. GRCh37 (hg19) VCF-style: chr10-90708668-C-T.
Other names: c.20G>A, p.Ser7Asn (NM_001141945.3, NM_001320855.2, NM_001406462.1 and 7 more transcripts); short protein forms S7N.
Identifiers: ClinVar variation 3013379 (VCV003013379.4), dbSNP rs2494579025, ClinGen allele CA377513816.